The following is an entry in ClinVar:

ClinVar aggregate classification (germline): Uncertain significance. Review status: criteria provided, multiple submitters, no conflicts (2 of 4 stars). 2 submissions from 2 submitters: Uncertain significance (2). Last evaluated 2025-08-03.

Allele frequency attached by ClinVar (database versions not stated): gnomAD exomes 0.00001; gnomAD 0.00003 and 0.00001; TOPMed below 0.00001; ExAC 0.00001.
gnomAD v4.1: 14 of 1,595,250 alleles (0.00088%); highest among the groups gnomAD compares: East Asian, 0.016%; no homozygotes.

Submissions (2):

Ambry Genetics
Classification: Uncertain significance. Last evaluated: 2025-08-03. Review status: criteria provided, single submitter. Criteria: Ambry Variant Classification Scheme 2023. Collection method: clinical testing. Allele origin: germline.

Labcorp Genetics (formerly Invitae), Labcorp
Classification: Uncertain significance. Last evaluated: 2021-09-03. Review status: criteria provided, single submitter. Criteria: Invitae Variant Classification Sherloc (09022015). Collection method: clinical testing. Allele origin: germline.
Comment: This sequence change replaces glutamic acid with aspartic acid at codon 550 of the IFNAR1 protein (p.Glu550Asp). The glutamic acid residue is highly conserved and there is a small physicochemical difference between glutamic acid and aspartic acid. This variant is present in population databases (rs765102932, ExAC 0.01%). This variant has not been reported in the literature in individuals affected with IFNAR1-related conditions. Algorithms developed to predict the effect of missense changes on protein structure and function are either unavailable or do not agree on the potential impact of this missense change (SIFT: "Deleterious"; PolyPhen-2: "Benign"; Align-GVGD: "Class C0"). In summary, the available evidence is currently insufficient to determine the role of this variant in disease. Therefore, it has been classified as a Variant of Uncertain Significance.

NM_000629.3(IFNAR1):c.1650A>C (p.Glu550Asp)

Gene: IFNAR1 (interferon alpha and beta receptor subunit 1; plus strand). Cytogenetic location: 21q22.11.
Variant type: single nucleotide variant.
Coding change: c.1650A>C on transcript NM_000629.3 (MANE Select); coding-DNA position 1650, A replaced by C.
Protein change: p.Glu550Asp; replaces glutamic acid 550 with aspartic acid.
Molecular consequence: missense variant. On other transcripts: 3 prime UTR variant (1).
Genome position (GRCh38, 1-based): chr21:33,355,525, A>C. VCF-style: chr21-33355525-A-C. GRCh37 (hg19) VCF-style: chr21-34727831-A-C.
Other names: c.1650A>C, p.Glu550Asp (NM_001384498.1); c.*199A>C (NM_001384499.1); c.888A>C, p.Glu296Asp (NM_001384500.1); c.1620A>C, p.Glu540Asp (NM_001384501.1); c.1188A>C, p.Glu396Asp (NM_001384502.1); c.1635A>C, p.Glu545Asp (NM_001384503.1); c.1443A>C, p.Glu481Asp (NM_001384504.1); c.1650A>C (NM_000629.2); short protein forms E481D, E396D, E296D, E540D, E545D, E550D.
Identifiers: ClinVar variation 1488352 (VCV001488352.4), dbSNP rs765102932, ClinGen allele CA10006805.